The following is an entry in ClinVar:

NM_013232.4(PDCD6):c.105C>T (p.Val35=)

Genes: PDCD6 (programmed cell death 6; plus strand), PDCD6-AHRR (PDCD6-AHRR readthrough (NMD candidate); plus strand). Cytogenetic location: 5p15.33.
Variant type: single nucleotide variant.
Coding change: c.105C>T on transcript NM_013232.4 (MANE Select); coding-DNA position 105, C replaced by T.
Protein change: p.Val35=; no amino-acid change (valine 35 retained).
Molecular consequence: synonymous variant. On other transcripts: 5 prime UTR variant (1), non-coding transcript variant (3).
Genome position (GRCh38, 1-based): chr5:272,714, C>T. VCF-style: chr5-272714-C-T. GRCh37 (hg19) VCF-style: chr5-272829-C-T.
Other names: c.105C>T, p.Val35= (NM_001267556.2, NM_001267557.2, NM_001267559.2); c.-106C>T (NM_001267558.2).
Identifiers: ClinVar variation 2655242 (VCV002655242.24), dbSNP rs145036962, ClinGen allele CA3173590.

ClinVar aggregate classification (germline): Likely benign (1 of 4 stars; one submission).

Allele frequency attached by ClinVar (database versions not stated): 1000 Genomes Project 30x 0.00016; 1000 Genomes Project 0.00020; TOPMed 0.00072; ESP Exome Variant Server 0.00100; ExAC 0.00202; gnomAD exomes 0.00103; gnomAD 0.00132.
gnomAD v4.1: 1,664 of 1,574,744 alleles (0.11%); highest among the groups gnomAD compares: Non-Finnish European, 0.12%; 19 homozygotes.

Submission:

CeGaT Center for Human Genetics Tuebingen
Classification: Likely benign. Last evaluated: 2023-02-01. Review status: criteria provided, single submitter. Criteria: CeGaT Center For Human Genetics Tuebingen Variant Classification Criteria Version 2. Collection method: clinical testing. Allele origin: germline. Affected: yes. Observed: 1 variant allele.
Comment: PDCD6: BP7